The following is an entry in ClinVar:

NM_030912.3(TRIM8):c.9G>T (p.Glu3Asp)

Gene: TRIM8 (tripartite motif containing 8; plus strand). Cytogenetic location: 10q24.32.
Variant type: single nucleotide variant.
Coding change: c.9G>T on transcript NM_030912.3 (MANE Select); coding-DNA position 9, G replaced by T.
Protein change: p.Glu3Asp; replaces glutamic acid 3 with aspartic acid.
Molecular consequence: missense variant. On other transcripts: non-coding transcript variant (1).
Genome position (GRCh38, 1-based): chr10:102,644,626, G>T. VCF-style: chr10-102644626-G-T. GRCh37 (hg19) VCF-style: chr10-104404383-G-T.
Other names: c.9G>T, p.Glu3Asp (NM_001345950.1); short protein forms E3D.
Identifiers: ClinVar variation 4723255 (VCV004723255.1).

ClinVar aggregate classification (germline): Uncertain significance (1 of 4 stars; one submission).

gnomAD v4.1: 6 of 1,612,556 alleles (0.00037%); highest among the groups gnomAD compares: Non-Finnish European, 0.00051%; no homozygotes.

Submission:

Labcorp Genetics (formerly Invitae), Labcorp
Classification: Uncertain significance. Last evaluated: 2025-10-16. Review status: criteria provided, single submitter. Criteria: Invitae Variant Classification Sherloc (09022015). Collection method: clinical testing. Allele origin: germline.
Comment: This sequence change replaces glutamic acid, which is acidic and polar, with aspartic acid, which is acidic and polar, at codon 3 of the TRIM8 protein (p.Glu3Asp). This variant is not present in population databases (gnomAD no frequency). This variant has not been reported in the literature in individuals affected with TRIM8-related conditions. An algorithm developed to predict the effect of missense changes on protein structure and function (PolyPhen-2) suggests that this variant is likely to be disruptive. In summary, the available evidence is currently insufficient to determine the role of this variant in disease. Therefore, it has been classified as a Variant of Uncertain Significance.